The following is an entry in ClinVar:

NM_178452.6(DNAAF1):c.183G>T (p.Gln61His)

Gene: DNAAF1 (dynein axonemal assembly factor 1; plus strand). Cytogenetic location: 16q24.1.
Variant type: single nucleotide variant.
Coding change: c.183G>T on transcript NM_178452.6 (MANE Select); coding-DNA position 183, G replaced by T.
Protein change: p.Gln61His; replaces glutamine 61 with histidine.
Molecular consequence: missense variant.
Genome position (GRCh38, 1-based): chr16:84,149,065, G>T. VCF-style: chr16-84149065-G-T. GRCh37 (hg19) VCF-style: chr16-84182670-G-T.
Other names: short protein forms Q61H.
Identifiers: ClinVar variation 1781141 (VCV001781141.2), dbSNP rs2507335587, ClinGen allele CA396940081.

ClinVar aggregate classification (germline): Uncertain significance (1 of 4 stars; one submission).

Conditions:
Primary ciliary dyskinesia. Also called: Ciliary dyskinesia. Identifiers: Orphanet 244, MedGen C0008780, MONDO:0016575, HP:0012265.

Allele frequency attached by ClinVar (database versions not stated): gnomAD exomes 0.00001.
gnomAD v4.1: 11 of 1,614,132 alleles (0.00068%); highest among the groups gnomAD compares: Non-Finnish European, 0.00093%; no homozygotes.

Submission:

Ambry Genetics
Classification: Uncertain significance for Primary ciliary dyskinesia. Last evaluated: 2021-07-22. Review status: criteria provided, single submitter. Criteria: Ambry Variant Classification Scheme 2023. Collection method: clinical testing. Allele origin: germline.
Comment: The p.Q61H variant (also known as c.183G>T), located in coding exon 2 of the DNAAF1 gene, results from a G to T substitution at nucleotide position 183. The glutamine at codon 61 is replaced by histidine, an amino acid with highly similar properties. This amino acid position is conserved. In addition, this alteration is predicted to be tolerated by in silico analysis. Since supporting evidence is limited at this time, the clinical significance of this alteration remains unclear.